The following is an entry in ClinVar:

ClinVar aggregate classification (germline): Benign/Likely benign. Review status: criteria provided, multiple submitters, no conflicts (2 of 4 stars). 3 submissions from 3 submitters: Benign (1); Likely benign (1). 1 of the submissions does not count toward it. Last evaluated 2026-01-29.

Conditions:
RORC-related disorder. Also called: RORC-related condition.
Autosomal recessive mendelian susceptibility to mycobacterial diseases due to complete RORgamma receptor deficiency. Also called: Immunodeficiency 42. Identifiers: Orphanet 477857, MedGen C5567647, MONDO:0014710, OMIM 616622.

Allele frequency attached by ClinVar (database versions not stated): gnomAD exomes 0.00023 and 0.00061; ExAC 0.00077; 1000 Genomes Project 30x 0.00187; 1000 Genomes Project 0.00200; TOPMed 0.00242; gnomAD 0.00243 and 0.00263; ESP Exome Variant Server 0.00284.
gnomAD v4.1: 697 of 1,601,484 alleles (0.044%); highest among the groups gnomAD compares: African/African-American, 0.85%; 4 homozygotes.

Submissions (3):

Labcorp Genetics (formerly Invitae), Labcorp
Classification: Benign for Autosomal recessive mendelian susceptibility to mycobacterial diseases due to complete RORgamma receptor deficiency. Last evaluated: 2026-01-29. Review status: criteria provided, single submitter. Criteria: Invitae Variant Classification Sherloc (09022015). Collection method: clinical testing. Allele origin: germline.

Blueprint Genetics
Classification: Likely benign. Last evaluated: 2024-10-02. Review status: criteria provided, single submitter. Criteria: ACMG Guidelines, 2015. Collection method: clinical testing. Allele origin: germline.

PreventionGenetics, part of Exact Sciences
Classification: Likely benign for RORC-related condition. Last evaluated: 2024-01-11. Review status: no assertion criteria provided. Collection method: clinical testing. Allele origin: germline. Not counted in ClinVar's aggregate classification.
Comment: This variant is classified as likely benign based on ACMG/AMP sequence variant interpretation guidelines (Richards et al. 2015 PMID: 25741868, with internal and published modifications).

NM_005060.4(RORC):c.812-9C>T

Gene: RORC (RAR related orphan receptor C; minus strand). Cytogenetic location: 1q21.3.
Variant type: single nucleotide variant.
Coding change: c.812-9C>T on transcript NM_005060.4 (MANE Select); 9 bases into the intron before coding-DNA position 812, C replaced by T.
Molecular consequence: intron variant.
Genome position (GRCh38, 1-based): chr1:151,814,704, G>A on the plus strand (C>T on the coding strand, the complement: RORC is on the minus strand). VCF-style: chr1-151814704-G-A. GRCh37 (hg19) VCF-style: chr1-151787180-G-A.
Other names: c.812-9C>T (NM_005060.3); c.749-9C>T (NM_001001523.2).
Identifiers: ClinVar variation 1166155 (VCV001166155.12), dbSNP rs201629576, ClinGen allele CA1095835.